The following is an entry in ClinVar:

NM_001378454.1(ALMS1):c.11863T>C (p.Ser3955Pro)

Gene: ALMS1 (ALMS1 centrosome and basal body associated protein; plus strand). Cytogenetic location: 2p13.1.
Variant type: single nucleotide variant.
Coding change: c.11863T>C on transcript NM_001378454.1 (MANE Select); coding-DNA position 11863, T replaced by C.
Protein change: p.Ser3955Pro; replaces serine 3955 with proline.
Molecular consequence: missense variant.
Genome position (GRCh38, 1-based): chr2:73,600,872, T>C. VCF-style: chr2-73600872-T-C. GRCh37 (hg19) VCF-style: chr2-73827999-T-C.
Other names: c.11866T>C, p.Ser3956Pro (NM_015120.4); short protein forms S3955P, S3956P.
Identifiers: ClinVar variation 2052409 (VCV002052409.5), dbSNP rs45528134, ClinGen allele CA347265155.

ClinVar aggregate classification (germline): Conflicting classifications of pathogenicity. Review status: criteria provided, conflicting classifications (1 of 4 stars). 2 submissions from 2 submitters: Uncertain significance (1); Likely benign (1). Last evaluated 2026-04-21.

Conditions:
Cardiovascular phenotype. Identifiers: MedGen CN230736.
Alstrom syndrome (ALMS). Identifiers: Orphanet 64, MedGen C0268425, MONDO:0008763, OMIM 203800.

Submissions (2):

Ambry Genetics
Classification: Likely benign for Cardiovascular phenotype. Last evaluated: 2026-04-21. Review status: criteria provided, single submitter. Criteria: Ambry Variant Classification Scheme 2023. Collection method: clinical testing. Allele origin: germline.

Labcorp Genetics (formerly Invitae), Labcorp
Classification: Uncertain significance for Alstrom syndrome. Last evaluated: 2022-06-10. Review status: criteria provided, single submitter. Criteria: Invitae Variant Classification Sherloc (09022015). Collection method: clinical testing. Allele origin: germline.
Comment: In summary, the available evidence is currently insufficient to determine the role of this variant in disease. Therefore, it has been classified as a Variant of Uncertain Significance. Algorithms developed to predict the effect of missense changes on protein structure and function output the following: SIFT: "Not Available"; PolyPhen-2: "Not Available"; Align-GVGD: "Not Available". The proline amino acid residue is found in multiple mammalian species, which suggests that this missense change does not adversely affect protein function. This variant has not been reported in the literature in individuals affected with ALMS1-related conditions. This variant is not present in population databases (gnomAD no frequency). This sequence change replaces serine, which is neutral and polar, with proline, which is neutral and non-polar, at codon 3956 of the ALMS1 protein (p.Ser3956Pro).